The following is an entry in ClinVar:

ClinVar aggregate classification (germline): Uncertain significance. Review status: criteria provided, multiple submitters, no conflicts (2 of 4 stars). 3 submissions from 3 submitters: Uncertain significance (3). Last evaluated 2025-11-12.

Conditions:
Inborn genetic diseases. Identifiers: MedGen C0950123, MeSH D030342.

Allele frequency attached by ClinVar (database versions not stated): ExAC 0.00001; gnomAD exomes 0.00001.
gnomAD v4.1: 17 of 1,613,210 alleles (0.0011%); highest among the groups gnomAD compares: Non-Finnish European, 0.0012%; no homozygotes.

Submissions (3):

Ambry Genetics
Classification: Uncertain significance for Inborn genetic diseases. Last evaluated: 2025-11-12. Review status: criteria provided, single submitter. Criteria: Ambry Variant Classification Scheme 2023. Collection method: clinical testing. Allele origin: germline.

Labcorp Genetics (formerly Invitae), Labcorp
Classification: Uncertain significance. Last evaluated: 2024-04-22. Review status: criteria provided, single submitter. Criteria: Invitae Variant Classification Sherloc (09022015). Collection method: clinical testing. Allele origin: germline.
Comment: This sequence change replaces glycine, which is neutral and non-polar, with serine, which is neutral and polar, at codon 1111 of the CACNA2D4 protein (p.Gly1111Ser). This variant is not present in population databases (gnomAD no frequency). This variant has not been reported in the literature in individuals affected with CACNA2D4-related conditions. ClinVar contains an entry for this variant (Variation ID: 1966011). An algorithm developed to predict the effect of missense changes on protein structure and function (PolyPhen-2) suggests that this variant is likely to be tolerated. In summary, the available evidence is currently insufficient to determine the role of this variant in disease. Therefore, it has been classified as a Variant of Uncertain Significance.

Blueprint Genetics
Classification: Uncertain significance. Last evaluated: 2022-07-26. Review status: criteria provided, single submitter. Criteria: ACMG Guidelines, 2015. Collection method: clinical testing. Allele origin: germline.

NM_172364.5(CACNA2D4):c.3331G>A (p.Gly1111Ser)

Gene: CACNA2D4 (calcium voltage-gated channel auxiliary subunit alpha2delta 4; minus strand). Cytogenetic location: 12p13.33.
Variant type: single nucleotide variant.
Coding change: c.3331G>A on transcript NM_172364.5 (MANE Select); coding-DNA position 3331, G replaced by A.
Protein change: p.Gly1111Ser; replaces glycine 1111 with serine.
Molecular consequence: missense variant.
Genome position (GRCh38, 1-based): chr12:1,793,738, C>T on the plus strand (G>A on the coding strand, the complement: CACNA2D4 is on the minus strand). VCF-style: chr12-1793738-C-T. GRCh37 (hg19) VCF-style: chr12-1902904-C-T.
Other names: c.3331G>A (NM_172364.4); short protein forms G1111S.
Identifiers: ClinVar variation 1966011 (VCV001966011.7), dbSNP rs748935920, ClinGen allele CA6385945.